The following is an entry in ClinVar:

NM_014874.4(MFN2):c.752C>T (p.Pro251Leu)

Gene: MFN2 (mitofusin 2; plus strand). Cytogenetic location: 1p36.22.
Variant type: single nucleotide variant.
Coding change: c.752C>T on transcript NM_014874.4 (MANE Select); coding-DNA position 752, C replaced by T.
Protein change: p.Pro251Leu; replaces proline 251 with leucine.
Molecular consequence: missense variant.
Genome position (GRCh38, 1-based): chr1:11,999,031, C>T. VCF-style: chr1-11999031-C-T. GRCh37 (hg19) VCF-style: chr1-12059088-C-T.
Other names: c.752C>T, p.Pro251Leu (NM_001127660.2); short protein forms P251L.
Identifiers: ClinVar variation 637945 (VCV000637945.9), dbSNP rs1557525153, ClinGen allele CA338439122.
Genomic context (GRCh38, chr1:11,999,031, plus strand): 5'-TCTTACCCTTTATCTAGGAAAAGCACTTCTTCCACAAGGTGAGTGAGCGTCTCTCCCGGC[C>T]AAACATCTTCATCCTGAACAACCGCTGGGATGCATCTGCCTCAGAGCCCGAGTACATGGA-3'
Protein context (NP_055689.1, residues 241-261): FHKVSERLSR[Pro251Leu]NIFILNNRWD

ClinVar aggregate classification (germline): Pathogenic. Review status: criteria provided, single submitter (1 of 4 stars). 2 submissions from 2 submitters: Pathogenic (1). 1 of the submissions does not count toward it. Last evaluated 2025-06-20.

Conditions:
Charcot-Marie-Tooth disease. Also called: Charcot-Marie-Tooth Neuropathy; Charcot-Marie-Tooth Hereditary Neuropathy. Identifiers: Orphanet 166, MedGen C0007959, MONDO:0015626.
Charcot-Marie-Tooth disease type 2. Also called: Charcot-Marie-Tooth type 2. Identifiers: Orphanet 64746, MedGen C0270914, MONDO:0018993.

Submissions (2):

Labcorp Genetics (formerly Invitae), Labcorp
Classification: Pathogenic for Charcot-Marie-Tooth disease type 2. Last evaluated: 2025-06-20. Review status: criteria provided, single submitter. Criteria: Invitae Variant Classification Sherloc (09022015). Collection method: clinical testing. Allele origin: germline.
Comment: This sequence change replaces proline, which is neutral and non-polar, with leucine, which is neutral and non-polar, at codon 251 of the MFN2 protein (p.Pro251Leu). This variant is not present in population databases (gnomAD no frequency). This missense change has been observed in individuals with autosomal dominant Charcot-Marie-Tooth disease (PMID: 24078732, 30807887; internal data). ClinVar contains an entry for this variant (Variation ID: 637945). Invitae Evidence Modeling of protein sequence and biophysical properties (such as structural, functional, and spatial information, amino acid conservation, physicochemical variation, residue mobility, and thermodynamic stability) indicates that this missense variant is expected to disrupt MFN2 protein function with a positive predictive value of 95%. This variant disrupts the p.Pro251 amino acid residue in MFN2. Other variant(s) that disrupt this residue have been determined to be pathogenic (PMID: 15064763, 21508331). This suggests that this residue is clinically significant, and that variants that disrupt this residue are likely to be disease-causing. For these reasons, this variant has been classified as Pathogenic.

Inherited Neuropathy Consortium
Classification: Uncertain significance for Charcot-Marie-Tooth disease. Review status: no assertion criteria provided. Collection method: literature only. Allele origin: germline. Affected: yes. Not counted in ClinVar's aggregate classification.

Literature cited by the submitters: PubMed 24078732 (cited by Labcorp Genetics (formerly Invitae), Labcorp and Inherited Neuropathy Consortium); PubMed 30807887 (cited by Labcorp Genetics (formerly Invitae), Labcorp); PubMed 15064763 (cited by Labcorp Genetics (formerly Invitae), Labcorp); PubMed 21508331 (cited by Labcorp Genetics (formerly Invitae), Labcorp).